The following is an entry in ClinVar:

ClinVar aggregate classification (germline): Uncertain significance (1 of 4 stars; one submission).

Conditions:
Hypercholesterolemia, autosomal dominant, 3 (FHCL3). Also called: Familial Hypercholesterolemia, Autosomal Dominant, 3; PCSK9-Related Familial Hypercholesterolemia, Autosomal Dominant; Familial hypercholesterolemia 3. Identifiers: MedGen C1863551, MONDO:0011369, OMIM 603776.

Allele frequency attached by ClinVar (database versions not stated): gnomAD exomes below 0.00001.
gnomAD v4.1: 3 of 1,614,138 alleles (0.00019%); highest among the groups gnomAD compares: Non-Finnish European, 0.00025%; no homozygotes.

Submission:

Labcorp Genetics (formerly Invitae), Labcorp
Classification: Uncertain significance for Hypercholesterolemia, autosomal dominant, 3. Last evaluated: 2023-08-02. Review status: criteria provided, single submitter. Criteria: Invitae Variant Classification Sherloc (09022015). Collection method: clinical testing. Allele origin: germline.
Comment: In summary, the available evidence is currently insufficient to determine the role of this variant in disease. Therefore, it has been classified as a Variant of Uncertain Significance. Advanced modeling of protein sequence and biophysical properties (such as structural, functional, and spatial information, amino acid conservation, physicochemical variation, residue mobility, and thermodynamic stability) performed at Invitae indicates that this missense variant is not expected to disrupt PCSK9 protein function. This variant has not been reported in the literature in individuals affected with PCSK9-related conditions. This variant is not present in population databases (gnomAD no frequency). This sequence change replaces tyrosine, which is neutral and polar, with histidine, which is basic and polar, at codon 142 of the PCSK9 protein (p.Tyr142His).

NM_174936.4(PCSK9):c.424T>C (p.Tyr142His)

Gene: PCSK9 (proprotein convertase subtilisin/kexin type 9; plus strand). Cytogenetic location: 1p32.3.
Variant type: single nucleotide variant.
Coding change: c.424T>C on transcript NM_174936.4 (MANE Select); coding-DNA position 424, T replaced by C.
Protein change: p.Tyr142His; replaces tyrosine 142 with histidine.
Molecular consequence: missense variant. On other transcripts: non-coding transcript variant (6), intron variant (1).
Genome position (GRCh38, 1-based): chr1:55,046,547, T>C. VCF-style: chr1-55046547-T-C. GRCh37 (hg19) VCF-style: chr1-55512220-T-C.
Other names: c.547T>C, p.Tyr183His (NM_001407240.1); c.424T>C, p.Tyr142His (NM_001407241.1, NM_001407242.1, NM_001407244.1 and 1 more transcripts); c.232T>C, p.Tyr78His (NM_001407245.1); c.49T>C, p.Tyr17His (NM_001407246.1); c.400-33T>C (NM_001407243.1); short protein forms Y183H, Y142H, Y17H, Y78H.
Identifiers: ClinVar variation 2902371 (VCV002902371.3), dbSNP rs1644636004, ClinGen allele CA340484529.